The following is an entry in ClinVar:

ClinVar aggregate classification (germline): Pathogenic (1 of 4 stars; one submission).

Submission:

GeneDx
Classification: Pathogenic. Last evaluated: 2015-10-30. Review status: criteria provided, single submitter. Criteria: GeneDx Variant Classification (06012015). Collection method: clinical testing. Allele origin: germline. Affected: yes.
Comment: The insertion causes a frameshift starting with codon Histidine 429, changes this amino acid to an Arginine residue and creates a premature Stop codon at position 27 of the new reading frame, denoted p.His429ArgfsX27. This pathogenic variant is predicted to cause loss of normal protein function through either premature protein truncation or nonsense-mediated mRNA decay.

NM_144997.7(FLCN):c.1285_1286insG (p.His429fs)

Gene: FLCN (folliculin; minus strand). Cytogenetic location: 17p11.2.
Variant type: Insertion.
Coding change: c.1285_1286insG on transcript NM_144997.7 (MANE Select); coding-DNA positions 1285 to 1286, G inserted.
Protein change: p.His429fs; shifts the reading frame from histidine 429.
Molecular consequence: frameshift variant.
Genome position: GRCh38 VCF-style: chr17-17216394-T-TC. GRCh37 (hg19) VCF-style: chr17-17119708-T-TC.
Other names: c.1339_1340insG, p.His447fs (NM_001353229.2); c.1285_1286insG, p.His429fs (NM_001353230.2, NM_001353231.2); c.1285_1286insG (LRG_325t1); short protein forms H429fs, H447fs.
Identifiers: ClinVar variation 418212 (VCV000418212.2), dbSNP rs1555607651, ClinGen allele CA16620339.